The following is an entry in ClinVar:

ClinVar aggregate classification (germline): Likely pathogenic. Review status: reviewed by expert panel (3 of 4 stars). 3 submissions from 3 submitters: Likely pathogenic (1). 2 of the submissions do not count toward it. Last evaluated 2026-09-15.

Conditions:
Glycogen storage disease, type II (IOPD). Also called: POMPE DISEASE, INFANTILE-ONSET; GLYCOGEN STORAGE DISEASE II, INFANTILE-ONSET; ACID ALPHA-GLUCOSIDASE DEFICIENCY, INFANTILE-ONSET; GAA DEFICIENCY, INFANTILE-ONSET; ACID MALTASE DEFICIENCY, INFANTILE-ONSET; Glycogen storage disease type 2. Identifiers: Orphanet 365, MedGen C0017921, MONDO:0009290, OMIM 232300.

Submissions (3):

ClinGen Lysosomal Storage Disorder Variant Curation Expert Panel
Classification: Likely pathogenic for Glycogen storage disease, type II. Last evaluated: 2026-09-15. Review status: reviewed by expert panel. Criteria: clingen_lsd_acmg_specifications_v2-1. Collection method: curation. Allele origin: germline. Inheritance: Autosomal recessive inheritance.
Comment: The NM_000152.5:c.-32-1G>C variant alters the canonical acceptor splice site of intron 1. No functional studies have been done to assess the impact of this variant on splicing. SpliceAI predicts loss of the acceptor splice site of intron 1 (score = 0.98) and possible use of a cryptic splice site 8 bp into exon 2 (acceptor gain score = 0.84). If used, it is unknown how loss of the first 8 nucleotides of exon 2, which are non-coding, would affect the production of GAA. Another variant in the same splice acceptor dinucleotide, c.-32-2A>G, has a similar SpliceAI prediction (acceptor gain score = 0.79), but has been shown to result in skipping of exon 2, which contains the start methionine and signal sequence, with <10% normal splicing by minigene assay. Loss of exon 2 causes complete loss of enzyme activity when expressed in heterologous cells (PMIDs 7881425, 7717400). Assuming that c.32-1G>C has a similar impact on splicing, but without analysis of this specific variant, PVS1 was applied at the moderate level (PMID: 37352859) (PVS1_Strong). This variant is absent in gnomAD v4.1.1. (PM2_Supporting). Another variant in the same splice acceptor dinucleotide, c.-32-2A>G has a similar SpliceAI prediction (acceptor gain score = 0.79) but has been shown to result in skipping of exon 2 by minigene assay, and has been classified as likely pathogenic by the ClinGen LD VCEP (PS1_Supporting). In summary, this variant meets the criteria to be classified as likely pathogenic for Pompe disease. GAA-specific ACMG/AMP criteria applied, as specified by the ClinGen Lysosomal Diseases Variant Curation Expert Panel (Specifications Version 2.0.0): PVS1_Strong, PS1_Supporting, PM2_Supporting. (Classification approved by the ClinGen Lysosomal Diseases Variant Curation Expert Panel on September 15, 2026)

Genomenon, Inc
Classification: Likely pathogenic for Glycogen storage disease, type II. Last evaluated: 2026-07-01. Review status: criteria provided, single submitter. Criteria: Genomenon Sequence Variant Interpretation Standards - Updated. Collection method: curation. Allele origin: germline. Affected: no. Not counted in ClinVar's aggregate classification.
Comment: GAA c.-32-1G>C is a splice variant affecting the canonical acceptor splice site of intron 2. This variant has been reported in the published literature (PMID:30155607;33560568). It is absent or not present at a significant frequency in gnomAD. In conclusion, we classify GAA c.-32-1G>C as a likely pathogenic variant.

Counsyl
Classification: Likely pathogenic for Glycogen storage disease, type II. Last evaluated: 2018-03-30. Review status: no assertion criteria provided. Collection method: clinical testing. Allele origin: unknown. Not counted in ClinVar's aggregate classification.

Literature cited by the submitters: PubMed 30155607 (cited by Genomenon, Inc); PubMed 33560568 (cited by Genomenon, Inc).

NM_000152.5(GAA):c.-32-1G>C

Gene: GAA (alpha glucosidase; plus strand). Cytogenetic location: 17q25.3.
Variant type: single nucleotide variant.
Coding change: c.-32-1G>C on transcript NM_000152.5 (MANE Select); the canonical splice acceptor site of the intron before 32 bases upstream of the start codon, G replaced by C.
Molecular consequence: splice acceptor variant.
Genome position (GRCh38, 1-based): chr17:80,104,554, G>C. VCF-style: chr17-80104554-G-C. GRCh37 (hg19) VCF-style: chr17-78078353-G-C.
Other names: c.-32-1G>C (NM_001406741.1, NM_001406742.1, NM_001079803.3 and 1 more transcripts).
Identifiers: ClinVar variation 557429 (VCV000557429.9), dbSNP rs1555598460, ClinGen allele CA658824771.